The following is an entry in ClinVar:

ClinVar aggregate classification (germline): Benign/Likely benign. Review status: criteria provided, multiple submitters, no conflicts (2 of 4 stars). 4 submissions from 4 submitters: Benign (2); Likely benign (2). Last evaluated 2026-01-24.

Allele frequency attached by ClinVar (database versions not stated): gnomAD 0.01250 and 0.01192; gnomAD exomes 0.01269 and 0.01212; ExAC 0.01488; 1000 Genomes Project 30x 0.00671; 1000 Genomes Project 0.00719; ESP Exome Variant Server 0.00785; TOPMed 0.01173.
gnomAD v4.1: 20,129 of 1,591,586 alleles (1.3%); highest among the groups gnomAD compares: Middle Eastern, 2.2%; 160 homozygotes.

Submissions (4):

Labcorp Genetics (formerly Invitae), Labcorp
Classification: Benign. Last evaluated: 2026-01-24. Review status: criteria provided, single submitter. Criteria: Invitae Variant Classification Sherloc (09022015). Collection method: clinical testing. Allele origin: germline.

CeGaT Center for Human Genetics Tuebingen
Classification: Benign. Last evaluated: 2025-10-01. Review status: criteria provided, single submitter. Criteria: CeGaT Center For Human Genetics Tuebingen Variant Classification Criteria Version 2. Collection method: clinical testing. Allele origin: germline. Affected: yes. Observed: 1 variant allele.
Comment: SIPA1L3: BP4, BS1, BS2

GeneDx
Classification: Likely benign. Last evaluated: 2021-06-25. Review status: criteria provided, single submitter. Criteria: GeneDx Variant Classification Process June 2021. Collection method: clinical testing. Allele origin: germline. Affected: yes.

Breakthrough Genomics
Classification: Likely benign. Review status: criteria provided, single submitter. Criteria: ACMG Guidelines, 2015. Collection method: not provided. Allele origin: germline. Inheritance: Autosomal recessive inheritance. Affected: yes.

NM_015073.3(SIPA1L3):c.863C>T (p.Ala288Val)

Gene: SIPA1L3 (signal induced proliferation associated 1 like 3; plus strand). Cytogenetic location: 19q13.13.
Variant type: single nucleotide variant.
Coding change: c.863C>T on transcript NM_015073.3 (MANE Select); coding-DNA position 863, C replaced by T.
Protein change: p.Ala288Val; replaces alanine 288 with valine.
Molecular consequence: missense variant.
Genome position (GRCh38, 1-based): chr19:38,082,428, C>T. VCF-style: chr19-38082428-C-T. GRCh37 (hg19) VCF-style: chr19-38573068-C-T.
Other names: short protein forms A288V.
Identifiers: ClinVar variation 1317921 (VCV001317921.16), dbSNP rs150674546, ClinGen allele CA9409217.
Genomic context (GRCh38, chr19:38,082,428, plus strand): 5'-AGGACAGCCTCCTGCCACTGCAGCCCACGAAGGAGAAGGAGAAGGCCCGGAAGAAACCTG[C>T]GCGGGGCCTCGGCGGCGGGGACACGGTGGACTCGTCCATCTTTCGGAAGCTAAGGAGCAG-3'
Protein context (NP_055888.1, residues 278-298): KEKEKARKKP[Ala288Val]RGLGGGDTVD